The following is an entry in ClinVar:

NM_006341.4(MAD2L2):c.103G>A (p.Glu35Lys)

Gene: MAD2L2 (mitotic arrest deficient 2 like 2; minus strand). Cytogenetic location: 1p36.22.
Variant type: single nucleotide variant.
Coding change: c.103G>A on transcript NM_006341.4 (MANE Select); coding-DNA position 103, G replaced by A.
Protein change: p.Glu35Lys; replaces glutamic acid 35 with lysine.
Molecular consequence: missense variant.
Genome position (GRCh38, 1-based): chr1:11,680,409, C>T on the plus strand (G>A on the coding strand, the complement: MAD2L2 is on the minus strand). VCF-style: chr1-11680409-C-T. GRCh37 (hg19) VCF-style: chr1-11740466-C-T.
Other names: c.103G>A, p.Glu35Lys (NM_001127325.2); short protein forms E35K.
Identifiers: ClinVar variation 3239650 (VCV003239650.2).

ClinVar aggregate classification (germline): Uncertain significance (1 of 4 stars; one submission).

Conditions:
Oligospermia. Identifiers: MedGen C0028960, MeSH D009845, MONDO:0001913.
Reduced sperm motility. Also called: asthenozoospermia. Identifiers: MedGen C4082176, HP:0012207.
Abnormal sperm morphology. Also called: Teratozoospermia. Identifiers: MedGen C0403824, HP:0012864.

gnomAD v4.1: 2 of 1,613,978 alleles (0.00012%); highest among the groups gnomAD compares: East Asian, 0.0022%; no homozygotes.

Submission:

Huzhibin Lab, Nanjing Medical University
Classification: Uncertain significance for Oligozoospermia; Reduced sperm motility; Abnormal sperm morphology. Review status: criteria provided, single submitter. Criteria: ACMG Guidelines, 2015. Collection method: research. Allele origin: germline. Inheritance: Autosomal recessive inheritance. Affected: yes. Observed: 1 variant allele, 1 homozygote.
Comment: Criteria:PS4,PP3 The variant we found here is a rare homozygous LoF variant that was not found in the control population. It was also predicted to be pathogenic by multiple algorithms,such as CADD(23.9), AlphaMissense(Pathogenic).